The following is an entry in ClinVar:

NM_022124.6(CDH23):c.6306G>A (p.Gly2102=)

Gene: CDH23 (cadherin related 23; plus strand). Cytogenetic location: 10q22.1.
Variant type: single nucleotide variant.
Coding change: c.6306G>A on transcript NM_022124.6 (MANE Select); coding-DNA position 6306, G replaced by A.
Protein change: p.Gly2102=; no amino-acid change (glycine 2102 retained).
Molecular consequence: synonymous variant.
Genome position (GRCh38, 1-based): chr10:71,793,234, G>A. VCF-style: chr10-71793234-G-A. GRCh37 (hg19) VCF-style: chr10-73552991-G-A.
Other names: c.6306G>A (NM_022124.5).
Identifiers: ClinVar variation 1139068 (VCV001139068.10), dbSNP rs370320029, ClinGen allele CA5546052.

ClinVar aggregate classification (germline): Likely benign. Review status: criteria provided, multiple submitters, no conflicts (2 of 4 stars). 2 submissions from 2 submitters: Likely benign (2). Last evaluated 2026-01-21.

Conditions:
CDH23-related disorder. Also called: CDH23-related condition; CDH23-related disorders.

Allele frequency attached by ClinVar (database versions not stated): 1000 Genomes Project 30x 0.00031; 1000 Genomes Project 0.00040; gnomAD 0.00001 and 0.00003; gnomAD exomes 0.00001 and 0.00002; ExAC 0.00003; TOPMed 0.00003; ESP Exome Variant Server 0.00016.
gnomAD v4.1: 15 of 1,613,830 alleles (0.00093%); highest among the groups gnomAD compares: African/African-American, 0.0067%; no homozygotes.

Submissions (2):

Labcorp Genetics (formerly Invitae), Labcorp
Classification: Likely benign. Last evaluated: 2026-01-21. Review status: criteria provided, single submitter. Criteria: Invitae Variant Classification Sherloc (09022015). Collection method: clinical testing. Allele origin: germline.

PreventionGenetics, part of Exact Sciences
Classification: Likely benign for CDH23-related condition. Last evaluated: 2024-10-17. Review status: criteria provided, single submitter. Criteria: ACMG Guidelines, 2015. Collection method: clinical testing. Allele origin: germline.
Comment: This variant is classified as likely benign based on ACMG/AMP sequence variant interpretation guidelines (Richards et al. 2015 PMID: 25741868, with internal and published modifications).